The following is an entry in ClinVar:

ClinVar aggregate classification (germline): Likely benign (1 of 4 stars; one submission).

gnomAD v4.1: 56 of 453,494 alleles (0.012%); highest among the groups gnomAD compares: Admixed American, 0.099%; 1 homozygote.

Submission:

CeGaT Center for Human Genetics Tuebingen
Classification: Likely benign. Last evaluated: 2026-08-01. Review status: criteria provided, single submitter. Criteria: CeGaT Center For Human Genetics Tuebingen Variant Classification Criteria Version 2. Collection method: clinical testing. Allele origin: germline. Affected: yes. Observed: 1 variant allele.
Comment: GABRG2: BP4, BP7

NM_198904.4(GABRG2):c.632-1283C>T

Gene: GABRG2 (gamma-aminobutyric acid type A receptor subunit gamma2; plus strand). Cytogenetic location: 5q34.
Variant type: single nucleotide variant.
Coding change: c.632-1283C>T on transcript NM_198904.4 (MANE Select); 1283 bases into the intron before coding-DNA position 632, C replaced by T.
Molecular consequence: intron variant. On other transcripts: synonymous variant (2).
Genome position (GRCh38, 1-based): chr5:162,102,606, C>T. VCF-style: chr5-162102606-C-T. GRCh37 (hg19) VCF-style: chr5-161529612-C-T.
Other names: c.684C>T, p.His228= (NM_001375343.1, NM_198903.2); c.347-1283C>T (NM_001375349.1); c.632-1283C>T (NM_001375344.1, NM_001375340.1, NM_001375341.1 and 2 more transcripts); c.212-1283C>T (NM_001375350.1, NM_001375348.1); c.623-1283C>T (NM_001375339.1); c.566-1283C>T (NM_001375346.1, NM_001375345.1); c.545-1283C>T (NM_001375347.1).
Identifiers: ClinVar variation 5038502 (VCV005038502.1).